The following is an entry in ClinVar:

ClinVar aggregate classification (germline): Benign (1 of 4 stars; one submission).

Allele frequency attached by ClinVar (database versions not stated): gnomAD exomes 0.24603; gnomAD 0.27649 and 0.27916; TOPMed 0.30043; 1000 Genomes Project 30x 0.36316; 1000 Genomes Project 0.36821.
gnomAD v4.1: 183,398 of 729,840 alleles (25%); highest among the groups gnomAD compares: East Asian, 44%; 17,455 homozygotes.

Submission:

GeneDx
Classification: Benign. Last evaluated: 2018-06-14. Review status: criteria provided, single submitter. Criteria: GeneDx Variant Classification (06012015). Collection method: clinical testing. Allele origin: germline. Affected: yes.
Comment: This variant is considered likely benign or benign based on one or more of the following criteria: it is a conservative change, it occurs at a poorly conserved position in the protein, it is predicted to be benign by multiple in silico algorithms, and/or has population frequency not consistent with disease.

NM_004006.3(DMD):c.6291-115G>A

Gene: DMD (dystrophin; minus strand). Cytogenetic location: Xp21.1.
Variant type: single nucleotide variant.
Coding change: c.6291-115G>A on transcript NM_004006.3 (MANE Select); 115 bases into the intron before coding-DNA position 6291, G replaced by A.
Molecular consequence: intron variant.
Genome position (GRCh38, 1-based): chrX:32,217,178, C>T on the plus strand (G>A on the coding strand, the complement: DMD is on the minus strand). VCF-style: chrX-32217178-C-T. GRCh37 (hg19) VCF-style: chrX-32235295-C-T.
Other names: c.6267-115G>A (NM_000109.4); c.2268-115G>A (NM_004011.4); c.2259-115G>A (NM_004012.4); c.6279-115G>A (NM_004009.3); c.5922-115G>A (NM_004010.3).
Identifiers: ClinVar variation 671237 (VCV000671237.1), dbSNP rs3747400, ClinGen allele CA328519381.
Genomic context (GRCh38, chrX:32,217,178, plus strand): 5'-TATAGAGATATAGCGTATATTTTTTGGTTATACTGACAAAGATATCACTCTGATAGTTTC[C>T]TGCATTTGCAGAGTTTAGTTTCAAGTAACAAATAAAAATTAATATACACACCTAGCATGT-3'